The following is an entry in ClinVar:

NM_001035005.4(C18orf32):c.90dup (p.Phe31fs)

Genes: C18orf32 (chromosome 18 open reading frame 32; minus strand), RPL17-C18orf32 (RPL17-C18orf32 readthrough; minus strand). Cytogenetic location: 18q21.1.
Variant type: Duplication.
Coding change: c.90dup on transcript NM_001035005.4 (MANE Select); coding-DNA position 90, one base duplicated (C; older notation c.90dupC).
Protein change: p.Phe31fs; shifts the reading frame from phenylalanine 31.
Molecular consequence: frameshift variant.
Genome position (GRCh38, 1-based): chr18:49,483,659, G duplicated on the plus strand (C on the coding strand, the reverse complement: C18orf32 is on the minus strand); the first of 5 consecutive G bases (chr18:49,483,659-49,483,663); duplicating any one gives the same sequence. VCF-style (leftmost placement, unchanged base first): chr18-49483658-A-AG. GRCh37 (hg19) VCF-style: chr18-47010028-A-AG.
Other names: C18ORF32, 1-BP DUP, 90C; 1-BP DUP, 90C; c.90dupC (NM_001035005.4); c.620dup, p.Ser208fs (NM_001199355.1); c.506dup, p.Ser170fs (NM_001199356.2); c.90dup, p.Phe31fs (NM_001199346.2); short protein forms F31fs, S170fs, S208fs.
Identifiers: ClinVar variation 2171503 (VCV002171503.5), dbSNP rs2511227667, ClinGen allele CA2580095784.

ClinVar aggregate classification (germline): Uncertain significance. Review status: criteria provided, single submitter (1 of 4 stars). 2 submissions from 2 submitters: Uncertain significance (1). 1 of the submissions does not count toward it. Last evaluated 2022-08-17.

Conditions:
Glycosylphosphatidylinositol biosynthesis defect 25 (GPIBD25). Also called: NEURODEVELOPMENTAL DISORDER WITH HYPOTONIA AND CONTRACTURES. Identifiers: MedGen C5774191, MONDO:0859271, OMIM 619985.

Submissions (2):

Labcorp Genetics (formerly Invitae), Labcorp
Classification: Uncertain significance. Last evaluated: 2022-08-17. Review status: criteria provided, single submitter. Criteria: Invitae Variant Classification Sherloc (09022015). Collection method: clinical testing. Allele origin: germline.
Comment: This sequence change creates a premature translational stop signal (p.Phe31Leufs*3) in the C18orf32 gene. It is expected to result in an absent or disrupted protein product. However, the current clinical and genetic evidence is not sufficient to establish whether loss-of-function variants in C18orf32 cause disease. This variant is not present in population databases (gnomAD no frequency). This premature translational stop signal has been observed in individual(s) with clinical features of C18orf32-related conditions (PMID: 35107634). Algorithms developed to predict the effect of variants on protein structure and function are not available or were not evaluated for this variant. Experimental studies have shown that this premature translational stop signal affects C18orf32 function (PMID: 35107634). In summary, the available evidence is currently insufficient to determine the role of this variant in disease. Therefore, it has been classified as a Variant of Uncertain Significance.

OMIM
Classification: Pathogenic for GLYCOSYLPHOSPHATIDYLINOSITOL BIOSYNTHESIS DEFECT 25 (1 patient). Last evaluated: 2022-08-05. Review status: no assertion criteria provided. Collection method: literature only. Allele origin: germline. Not counted in ClinVar's aggregate classification.

Literature cited by the submitters: PubMed 35107634 (cited by Labcorp Genetics (formerly Invitae), Labcorp and OMIM).